The following is an entry in ClinVar:

NM_005068.3(SIM1):c.735G>A (p.Leu245=)

Gene: SIM1 (SIM bHLH transcription factor 1; minus strand). Cytogenetic location: 6q16.3.
Variant type: single nucleotide variant.
Coding change: c.735G>A on transcript NM_005068.3 (MANE Select); coding-DNA position 735, G replaced by A.
Protein change: p.Leu245=; no amino-acid change (leucine 245 retained).
Molecular consequence: synonymous variant.
Genome position (GRCh38, 1-based): chr6:100,448,487, C>T on the plus strand (G>A on the coding strand, the complement: SIM1 is on the minus strand). VCF-style: chr6-100448487-C-T. GRCh37 (hg19) VCF-style: chr6-100896363-C-T.
Other names: c.735G>A, p.Leu245= (NM_001374769.1).
Identifiers: ClinVar variation 3032582 (VCV003032582.2), dbSNP rs750478646, ClinGen allele CA3937235.
Genomic context (GRCh38, chr6:100,448,487, plus strand): 5'-AGCAGGGCCGCCCTCAGGCTAGGAGAGGCCCTTTCCGGCCCTGCCCACCCACCTGGAGTC[C>T]AGAAAGATGAGCTTCATGTCCAGGCTGGCGCGGAACATAAACATATTGCTGTGTAGCTTG-3'
Protein context (NP_005059.2, residues 235-255): RASLDMKLIF[Leu245=]DSRVAELTGY

ClinVar aggregate classification (germline): Likely benign (0 of 4 stars; one submission).

Conditions:
SIM1-related disorder. Also called: SIM1-related condition; SIM1-related disorders.

Allele frequency attached by ClinVar (database versions not stated): gnomAD 0.00001; gnomAD exomes 0.00001; ExAC 0.00002.
gnomAD v4.1: 5 of 1,613,688 alleles (0.00031%); highest among the groups gnomAD compares: Admixed American, 0.0083%; no homozygotes.

Submission:

PreventionGenetics, part of Exact Sciences
Classification: Likely benign for SIM1-related condition. Last evaluated: 2023-07-14. Review status: no assertion criteria provided. Collection method: clinical testing. Allele origin: germline.
Comment: This variant is classified as likely benign based on ACMG/AMP sequence variant interpretation guidelines (Richards et al. 2015 PMID: 25741868, with internal and published modifications).